The following is an entry in ClinVar:

ClinVar aggregate classification (germline): Uncertain significance. Review status: criteria provided, multiple submitters, no conflicts (2 of 4 stars). 2 submissions from 2 submitters: Uncertain significance (2). Last evaluated 2025-09-05.

Conditions:
Cardiovascular phenotype. Identifiers: MedGen CN230736.
Hypertrophic cardiomyopathy 14. Identifiers: MedGen C2750467, MONDO:0013197, OMIM 613251.

gnomAD v4.1: 20 of 1,614,098 alleles (0.0012%); highest among the groups gnomAD compares: Admixed American, 0.02%; no homozygotes.

Submissions (2):

Labcorp Genetics (formerly Invitae), Labcorp
Classification: Uncertain significance for Hypertrophic cardiomyopathy 14. Last evaluated: 2025-09-05. Review status: criteria provided, single submitter. Criteria: Invitae Variant Classification Sherloc (09022015). Collection method: clinical testing. Allele origin: germline.
Comment: This sequence change replaces lysine, which is basic and polar, with asparagine, which is neutral and polar, at codon 1618 of the MYH6 protein (p.Lys1618Asn). This variant is present in population databases (rs766153681, gnomAD 0.02%). This variant has not been reported in the literature in individuals affected with MYH6-related conditions. ClinVar contains an entry for this variant (Variation ID: 1473000). Invitae Evidence Modeling of protein sequence and biophysical properties (such as structural, functional, and spatial information, amino acid conservation, physicochemical variation, residue mobility, and thermodynamic stability) has been performed for this missense variant. However, the output from this modeling did not meet the statistical confidence thresholds required to predict the impact of this variant on MYH6 protein function. In summary, the available evidence is currently insufficient to determine the role of this variant in disease. Therefore, it has been classified as a Variant of Uncertain Significance.

Ambry Genetics
Classification: Uncertain significance for Cardiovascular phenotype. Last evaluated: 2025-01-23. Review status: criteria provided, single submitter. Criteria: Ambry Variant Classification Scheme 2023. Collection method: clinical testing. Allele origin: germline.

NM_002471.4(MYH6):c.4854G>C (p.Lys1618Asn)

Genes: MYH6 (myosin heavy chain 6; minus strand), LOC126861896 (BRD4-independent group 4 enhancer GRCh37_chr14:23854904-23856103; plus strand). Cytogenetic location: 14q11.2.
Variant type: single nucleotide variant.
Coding change: c.4854G>C on transcript NM_002471.4 (MANE Select); coding-DNA position 4854, G replaced by C.
Protein change: p.Lys1618Asn; replaces lysine 1618 with asparagine.
Molecular consequence: missense variant.
Genome position (GRCh38, 1-based): chr14:23,386,420, C>G on the plus strand (G>C on the coding strand, the complement: MYH6 is on the minus strand). VCF-style: chr14-23386420-C-G. GRCh37 (hg19) VCF-style: chr14-23855629-C-G.
Other names: c.4854G>C (NM_002471.3); short protein forms K1618N.
Identifiers: ClinVar variation 1473000 (VCV001473000.9), dbSNP rs766153681, ClinGen allele CA7114621.